The following is an entry in ClinVar:

NM_000760.4(CSF3R):c.2434G>A (p.Val812Ile)

Gene: CSF3R (colony stimulating factor 3 receptor; minus strand). Cytogenetic location: 1p34.3.
Variant type: single nucleotide variant.
Coding change: c.2434G>A on transcript NM_000760.4 (MANE Select); coding-DNA position 2434, G replaced by A.
Protein change: p.Val812Ile; replaces valine 812 with isoleucine.
Molecular consequence: missense variant. On other transcripts: intron variant (1).
Genome position (GRCh38, 1-based): chr1:36,466,434, C>T on the plus strand (G>A on the coding strand, the complement: CSF3R is on the minus strand). VCF-style: chr1-36466434-C-T. GRCh37 (hg19) VCF-style: chr1-36932035-C-T.
Other names: c.2515G>A, p.Val839Ile (NM_156039.3); c.2247+187G>A (NM_172313.3); short protein forms V812I, V839I.
Identifiers: ClinVar variation 1355544 (VCV001355544.8), dbSNP rs528303671, ClinGen allele CA768892.

ClinVar aggregate classification (germline): Uncertain significance (1 of 4 stars; one submission).

Conditions:
Autosomal recessive severe congenital neutropenia due to CSF3R deficiency. Also called: Neutropenia, severe congenital, 7, autosomal recessive. Identifiers: Orphanet 420702, MedGen C4310764, MONDO:0014865, OMIM 617014.

Allele frequency attached by ClinVar (database versions not stated): TOPMed 0.00019; 1000 Genomes Project 0.00020; gnomAD 0.00030 and 0.00031; 1000 Genomes Project 30x 0.00031.
gnomAD v4.1: 73 of 1,613,624 alleles (0.0045%); highest among the groups gnomAD compares: Admixed American, 0.11%; 2 homozygotes.

Submission:

Labcorp Genetics (formerly Invitae), Labcorp
Classification: Uncertain significance for Autosomal recessive severe congenital neutropenia due to CSF3R deficiency. Last evaluated: 2025-09-01. Review status: criteria provided, single submitter. Criteria: Invitae Variant Classification Sherloc (09022015). Collection method: clinical testing. Allele origin: germline.
Comment: This sequence change replaces valine, which is neutral and non-polar, with isoleucine, which is neutral and non-polar, at codon 812 of the CSF3R protein (p.Val812Ile). This variant is present in population databases (rs528303671, gnomAD 0.06%). This missense change has been observed in individual(s) with clinical features of CSF3R-related conditions (PMID: 33108454). ClinVar contains an entry for this variant (Variation ID: 1355544). An algorithm developed to predict the effect of missense changes on protein structure and function outputs the following: PolyPhen-2: "Benign". The isoleucine amino acid residue is found in multiple mammalian species, which suggests that this missense change does not adversely affect protein function. In summary, the available evidence is currently insufficient to determine the role of this variant in disease. Therefore, it has been classified as a Variant of Uncertain Significance.

Literature cited by the submitters: PubMed 33108454.